The following is an entry in ClinVar:

ClinVar aggregate classification (germline): Uncertain significance (1 of 4 stars; one submission).

Submission:

GeneDx
Classification: Uncertain significance. Last evaluated: 2023-06-23. Review status: criteria provided, single submitter. Criteria: GeneDx Variant Classification Process June 2021. Collection method: clinical testing. Allele origin: germline. Affected: yes.
Comment: Not observed at significant frequency in large population cohorts (gnomAD); In silico analysis supports that this missense variant does not alter protein structure/function; Has not been previously published as pathogenic or benign to our knowledge

NM_001372044.2(SHANK3):c.5224C>G (p.Leu1742Val)

Gene: SHANK3 (SH3 and multiple ankyrin repeat domains 3; plus strand). Cytogenetic location: 22q13.33.
Variant type: single nucleotide variant.
Coding change: c.5224C>G on transcript NM_001372044.2 (MANE Select); coding-DNA position 5224, C replaced by G.
Protein change: p.Leu1742Val; replaces leucine 1742 with valine.
Molecular consequence: missense variant.
Genome position (GRCh38, 1-based): chr22:50,731,115, C>G. VCF-style: chr22-50731115-C-G. GRCh37 (hg19) VCF-style: chr22-51169543-C-G.
Other names: c.4999C>G (NM_033517.1); short protein forms L1742V.
Identifiers: ClinVar variation 1302128 (VCV001302128.3), dbSNP rs1036266314, ClinGen allele CA325591142.
Genomic context (GRCh38, chr22:50,731,115, plus strand): 5'-TCCGGCCCCGGCCCCGGCGCCCCCGGCCCACGCCGACCCTTCCAGCAGAAGCCGCTGCAG[C>G]TCTGGAGCAAGTTCGACGTGGGCGACTGGCTGGAGAGCATCCACCTAGGCGAGCACCGCG-3'
Protein context (NP_001358973.1, residues 1732-1752): RRPFQQKPLQ[Leu1742Val]WSKFDVGDWL